The following is an entry in ClinVar:

ClinVar aggregate classification (germline): Uncertain significance. Review status: criteria provided, multiple submitters, no conflicts (2 of 4 stars). 2 submissions from 2 submitters: Uncertain significance (2). Last evaluated 2023-11-15.

Conditions:
Pontocerebellar hypoplasia type 1A (PCH1A). Also called: PONTOCEREBELLAR HYPOPLASIA WITH ANTERIOR HORN CELL DISEASE; PONTOCEREBELLAR HYPOPLASIA WITH INFANTILE SPINAL MUSCULAR ATROPHY. Identifiers: Orphanet 2254, Orphanet 88616, MedGen C1843504, MONDO:0011866, OMIM 607596.

Submissions (2):

Mayo Clinic Laboratories, Mayo Clinic
Classification: Uncertain significance. Last evaluated: 2023-11-15. Review status: criteria provided, single submitter. Criteria: ACMG Guidelines, 2015. Collection method: clinical testing. Allele origin: germline. Observed: 1 variant allele.
Comment: PM2_moderate

Labcorp Genetics (formerly Invitae), Labcorp
Classification: Uncertain significance for Pontocerebellar hypoplasia type 1A. Last evaluated: 2023-07-14. Review status: criteria provided, single submitter. Criteria: Invitae Variant Classification Sherloc (09022015). Collection method: clinical testing. Allele origin: germline.
Comment: This sequence change replaces leucine, which is neutral and non-polar, with serine, which is neutral and polar, at codon 159 of the VRK1 protein (p.Leu159Ser). In summary, the available evidence is currently insufficient to determine the role of this variant in disease. Therefore, it has been classified as a Variant of Uncertain Significance. Algorithms developed to predict the effect of sequence changes on RNA splicing suggest that this variant may create or strengthen a splice site. An algorithm developed to predict the effect of missense changes on protein structure and function (PolyPhen-2) suggests that this variant is likely to be tolerated. ClinVar contains an entry for this variant (Variation ID: 1007514). This missense change has been observed in individual(s) with clinical features of distal hereditary motor neuropathy (Invitae). In at least one individual the data is consistent with being in trans (on the opposite chromosome) from a pathogenic variant. This variant is not present in population databases (gnomAD no frequency).

NM_003384.3(VRK1):c.476T>C (p.Leu159Ser)

Gene: VRK1 (VRK serine/threonine kinase 1; plus strand). Cytogenetic location: 14q32.2.
Variant type: single nucleotide variant.
Coding change: c.476T>C on transcript NM_003384.3 (MANE Select); coding-DNA position 476, T replaced by C.
Protein change: p.Leu159Ser; replaces leucine 159 with serine.
Molecular consequence: missense variant.
Genome position (GRCh38, 1-based): chr14:96,852,932, T>C. VCF-style: chr14-96852932-T-C. GRCh37 (hg19) VCF-style: chr14-97319269-T-C.
Other names: p.Leu159Ser; short protein forms L159S.
Identifiers: ClinVar variation 1007514 (VCV001007514.11), dbSNP rs888338488, ClinGen allele CA266077595.